The following is an entry in ClinVar:

ClinVar aggregate classification (germline): Pathogenic. Review status: reviewed by expert panel (3 of 4 stars). 7 submissions from 7 submitters: Pathogenic (1). 6 of the submissions do not count toward it. Last evaluated 2017-03-17.

Conditions:
Bronchiectasis with or without elevated sweat chloride 1 (BESC1). Also called: Cystic Fibrosis-Like Syndrome. Identifiers: Orphanet 60033, MedGen C2749757, MONDO:0008887, OMIM 211400.
CFTR-related disorder (CFTR-RD). Also called: CFTR-related condition; CFTR-related disorders. Identifiers: MedGen C5924204, MONDO:7770004.
Cystic fibrosis (CF). Also called: MUCOVISCIDOSIS. Identifiers: Orphanet 586, MedGen C0010674, MONDO:0009061, OMIM 219700. Disease mechanism: loss of function.

Submissions (7):

CFTR2
Classification: Pathogenic for Cystic fibrosis. Last evaluated: 2017-03-17. Review status: reviewed by expert panel. Criteria: Sosnay PR et al. (Nat Genet 2013). Collection method: research. Allele origin: germline. Affected: yes. Study: CFTR2.

Women's Health and Genetics/Laboratory Corporation of America, LabCorp
Classification: Pathogenic for Cystic fibrosis. Last evaluated: 2024-11-07. Review status: criteria provided, single submitter. Criteria: LabCorp Variant Classification Summary - May 2015. Collection method: clinical testing. Allele origin: germline. Not counted in ClinVar's aggregate classification.
Comment: Variant summary: CFTR c.175dupA (p.Arg59LysfsX10) results in a premature termination codon, predicted to cause a truncation of the encoded protein or absence of the protein due to nonsense mediated decay, which are commonly known mechanisms for disease. The variant was absent in 250818 control chromosomes. c.175dupA has been reported in the literature in individuals affected with Cystic Fibrosis (Soltysova_2018). These data indicate that the variant may be associated with disease. To our knowledge, no experimental evidence demonstrating an impact on protein function has been reported. The following publication have been ascertained in the context of this evaluation (PMID: 28544683). ClinVar contains an entry for this variant (Variation ID: 487400). Based on the evidence outlined above, the variant was classified as pathogenic.

Labcorp Genetics (formerly Invitae), Labcorp
Classification: Pathogenic for Cystic fibrosis. Last evaluated: 2023-08-30. Review status: criteria provided, single submitter. Criteria: Invitae Variant Classification Sherloc (09022015). Collection method: clinical testing. Allele origin: germline. Not counted in ClinVar's aggregate classification.
Comment: For these reasons, this variant has been classified as Pathogenic. ClinVar contains an entry for this variant (Variation ID: 487400). This premature translational stop signal has been observed in individual(s) with cystic fibrosis (PMID: 23974870, 28544683). This variant is not present in population databases (gnomAD no frequency). This sequence change creates a premature translational stop signal (p.Arg59Lysfs*10) in the CFTR gene. It is expected to result in an absent or disrupted protein product. Loss-of-function variants in CFTR are known to be pathogenic (PMID: 1695717, 7691345, 9725922).

Baylor Genetics
Classification: Pathogenic for Bronchiectasis with or without elevated sweat chloride 1. Last evaluated: 2022-01-24. Review status: criteria provided, single submitter. Criteria: ACMG Guidelines, 2015. Collection method: clinical testing. Allele origin: unknown. Not counted in ClinVar's aggregate classification.

Johns Hopkins Genomics, Johns Hopkins University
Classification: Pathogenic for Cystic fibrosis. Last evaluated: 2020-01-29. Review status: criteria provided, single submitter. Criteria: ACMG Guidelines, 2015. Collection method: clinical testing. Allele origin: germline. Not counted in ClinVar's aggregate classification.
Comment: Disease-causing CFTR variant. See CFTR2 for phenotype information.

CFTR-France
Classification: Pathogenic for cystic fibrosis. Last evaluated: 2018-01-29. Review status: criteria provided, single submitter. Criteria: Claustres M et al. (Hum Mutat 2017). Collection method: curation. Allele origin: germline. Affected: yes. Not counted in ClinVar's aggregate classification.

Natera, Inc.
Classification: Pathogenic for CFTR-related disorders. Last evaluated: 2017-03-17. Review status: no assertion criteria provided. Collection method: clinical testing. Allele origin: germline. Not counted in ClinVar's aggregate classification.

Literature cited by the submitters: PubMed 28544683 (cited by Women's Health and Genetics/Laboratory Corporation of America, LabCorp and Labcorp Genetics (formerly Invitae), Labcorp); PubMed 23974870 (cited by Labcorp Genetics (formerly Invitae), Labcorp); PubMed 1695717 (cited by Labcorp Genetics (formerly Invitae), Labcorp); PubMed 7691345 (cited by Labcorp Genetics (formerly Invitae), Labcorp); PubMed 9725922 (cited by Labcorp Genetics (formerly Invitae), Labcorp).

NM_000492.4(CFTR):c.175dup (p.Arg59fs)

Genes: CFTR (CF transmembrane conductance regulator; plus strand), LOC113664106 (CFTR intron 2 DNase I hypersensitive site; plus strand). Cytogenetic location: 7q31.2.
Variant type: Duplication.
Coding change: c.175dup on transcript NM_000492.4 (MANE Select); coding-DNA position 175, one base duplicated (A; older notation c.175dupA).
Protein change: p.Arg59fs; shifts the reading frame from arginine 59.
Molecular consequence: frameshift variant.
Genome position (GRCh38, 1-based): chr7:117,509,044, A duplicated. VCF-style (leftmost placement, unchanged base first): chr7-117509043-T-TA. GRCh37 (hg19) VCF-style: chr7-117149097-T-TA.
Other names: 306insA; c.175dupA (NM_000492.3, NM_000492.4); short protein forms R59fs.
Identifiers: ClinVar variation 487400 (VCV000487400.16), dbSNP rs397508294, ClinGen allele CA326655.
Genomic context (GRCh38, chr7:117,509,043, plus strand): 5'-TAAAATATTTGCACATGCAACTTATTGGTCCCACTTTTTATTCTTTTGCAGAGAATGGGA[T>TA]AGAGAGCTGGCTTCAAAGAAAAATCCTAAACTCATTAATGCCCTTCGGCGATGTTTTTTC-3'